The following is an entry in ClinVar:

ClinVar aggregate classification (germline): Uncertain significance (1 of 4 stars; one submission).

Conditions:
Immunodeficiency. Identifiers: MedGen C0021051, MONDO:0021094, HP:0002721.

gnomAD v4.1: 19 of 1,604,616 alleles (0.0012%); highest among the groups gnomAD compares: South Asian, 0.021%; no homozygotes.

Submission:

Labcorp Genetics (formerly Invitae), Labcorp
Classification: Uncertain significance for Immunodeficiency. Last evaluated: 2024-02-07. Review status: criteria provided, single submitter. Criteria: Invitae Variant Classification Sherloc (09022015). Collection method: clinical testing. Allele origin: germline.
Comment: This sequence change replaces glycine, which is neutral and non-polar, with aspartic acid, which is acidic and polar, at codon 1374 of the NFAT5 protein (p.Gly1374Asp). This variant is present in population databases (rs755720550, gnomAD 0.01%). This variant has not been reported in the literature in individuals affected with NFAT5-related conditions. An algorithm developed to predict the effect of missense changes on protein structure and function (PolyPhen-2) suggests that this variant is likely to be disruptive. In summary, the available evidence is currently insufficient to determine the role of this variant in disease. Therefore, it has been classified as a Variant of Uncertain Significance.

NM_138713.4(NFAT5):c.4403G>A (p.Gly1468Asp)

Gene: NFAT5 (nuclear factor of activated T cells 5; plus strand). Cytogenetic location: 16q22.1.
Variant type: single nucleotide variant.
Coding change: c.4403G>A on transcript NM_138713.4 (MANE Select); coding-DNA position 4403, G replaced by A.
Protein change: p.Gly1468Asp; replaces glycine 1468 with aspartic acid.
Molecular consequence: missense variant.
Genome position (GRCh38, 1-based): chr16:69,694,228, G>A. VCF-style: chr16-69694228-G-A. GRCh37 (hg19) VCF-style: chr16-69728131-G-A.
Other names: c.4400G>A, p.Gly1467Asp (NM_001113178.3); c.3728G>A, p.Gly1243Asp (NM_001367709.1); c.4349G>A, p.Gly1450Asp (NM_006599.4); c.4121G>A, p.Gly1374Asp (NM_138714.4, NM_173214.3, NM_173215.3); short protein forms G1243D, G1374D, G1450D, G1467D, G1468D.
Identifiers: ClinVar variation 3622120 (VCV003622120.2).